The following is an entry in ClinVar:

ClinVar aggregate classification (germline): Likely pathogenic (1 of 4 stars; one submission).

Conditions:
Gray platelet syndrome (GPS). Also called: BLEEDING DISORDER, PLATELET-TYPE, 4. Identifiers: Orphanet 721, MedGen C0272302, MONDO:0007686, OMIM 139090.

Submission:

NIHR Bioresource Rare Diseases, University of Cambridge
Classification: Likely pathogenic for Gray platelet syndrome. Last evaluated: 2020-03-01. Review status: criteria provided, single submitter. Criteria: ACMG Guidelines, 2015. Collection method: research. Allele origin: unknown. Inheritance: Autosomal recessive inheritance. Affected: yes. Observed: 1 compound heterozygote.
Comment: ACMG criteria: PM2, PM5, PP3, PP4

Literature cited by the submitters: PubMed 32693407.

NM_015175.3(NBEAL2):c.6894T>A (p.Asn2298Lys)

Gene: NBEAL2 (neurobeachin like 2; plus strand). Cytogenetic location: 3p21.31.
Variant type: single nucleotide variant.
Coding change: c.6894T>A on transcript NM_015175.3 (MANE Select); coding-DNA position 6894, T replaced by A.
Protein change: p.Asn2298Lys; replaces asparagine 2298 with lysine.
Molecular consequence: missense variant.
Genome position (GRCh38, 1-based): chr3:47,006,038, T>A. VCF-style: chr3-47006038-T-A. GRCh37 (hg19) VCF-style: chr3-47047528-T-A.
Other names: c.6792T>A, p.Asn2264Lys (NM_001365116.2); short protein forms N2264K, N2298K.
Identifiers: ClinVar variation 982289 (VCV000982289.1), dbSNP rs2037417315, ClinGen allele CA352536758.